The following is an entry in ClinVar:

NC_012920.1(MT-ND3):m.10399C>T

Gene: MT-ND3 (mitochondrially encoded NADH dehydrogenase 3; plus strand).
Variant type: single nucleotide variant.
Genome position: chrM-10399-C-T.
Identifiers: ClinVar variation 693289 (VCV000693289.1), dbSNP rs1603222820, ClinGen allele CA414805414.

ClinVar aggregate classification (germline): Uncertain significance (1 of 4 stars; one submission).

Conditions:
Leigh syndrome (NULS). Also called: Leigh's necrotizing encephalopathy; Leigh's disease; Leigh Syndrome (mtDNA deletion); Leigh Disease; Subacute necrotizing encephalopathy; Necrotizing encephalopathy infantile subacute of Leigh. Identifiers: Orphanet 506, MedGen C2931891, MONDO:0009723, OMIM 256000.

Submission:

Wong Mito Lab, Molecular and Human Genetics, Baylor College of Medicine
Classification: Uncertain significance for Leigh syndrome. Last evaluated: 2019-10-17. Review status: criteria provided, single submitter. Criteria: Modified ACMG Guidelines (Unpublished). Collection method: clinical testing. Allele origin: germline.
Comment: The NC_012920.1:m.10399C>T (YP_003024033.1:p.Thr114Ile) variant in MTND3 gene is interpretated to be a Uncertain Significance variant based on the modified ACMG guidelines (unpublished). This variant meets the following evidence codes: BP4